The following continues an entry in ClinVar:

NM_000535.7(PMS2):c.475G>A (p.Val159Met)

Gene: PMS2. ClinVar aggregate classification (germline): Conflicting classifications of pathogenicity. Uncertain significance (13); Likely benign (7).

Submissions 12 to 21 of 21:

All of Us Research Program, National Institutes of Health
Classification: Uncertain significance for Lynch syndrome. Last evaluated: 2024-09-23. Review status: criteria provided, single submitter. Criteria: ACMG Guidelines, 2015. Collection method: clinical testing. Allele origin: germline. Inheritance: Autosomal dominant inheritance. Observed: 28 variant alleles, 28 heterozygotes.
Comment: This missense variant replaces valine with methionine at codon 159 of the PMS2 protein. Computational prediction suggests that this variant may not impact protein structure and function (internally defined REVEL score threshold <= 0.5, PMID: 27666373). To our knowledge, functional studies have not been reported for this variant. This variant has been observed in individuals affected with colorectal cancer (PMID: 25559809), stomach adenocarcinoma (PMID: 26689913), and breast cancer (PMID: 26689913, 29684080, 31465090). This variant has been identified in 17/245638 chromosomes in the general population by the Genome Aggregation Database (gnomAD). The available evidence is insufficient to determine the role of this variant in disease conclusively. Therefore, this variant is classified as a Variant of Uncertain Significance.

This study involves interpretation of variants in research participants for the purpose of population health screening. Participant phenotype was not available at the time of variant classification. Additional details can be found in publication PMID: 35346344, PMCID: PMC8962531

Mendelics
Classification: Likely benign for Hereditary cancer. Last evaluated: 2024-09-11. Review status: criteria provided, single submitter. Criteria: ACMG Guidelines, 2015. Collection method: clinical testing. Allele origin: unknown.
Comment: This variant is considered likely benign or benign based on one or more of the following: it is predicted to be benign by multiple in silico algorithms, and/or has population frequency not consistent with disease, and/or has normal protein function, and/or has lack of segregation with disease, and/or has been detected in co-occurrence with known pathogenic variant, and/or has lack of disease association in case-control studies, and/or is located in a region inconsistent with a known cause of pathogenicity.

Baylor Genetics
Classification: Uncertain significance for Lynch syndrome 4. Last evaluated: 2024-03-13. Review status: criteria provided, single submitter. Criteria: ACMG Guidelines, 2015. Collection method: clinical testing. Allele origin: unknown.

GeneDx
Classification: Uncertain significance. Last evaluated: 2024-01-23. Review status: criteria provided, single submitter. Criteria: GeneDx Variant Classification Process June 2021. Collection method: clinical testing. Allele origin: germline. Affected: yes.
Comment: Observed in individuals with a personal and/or family history of colorectal, breast, prostate, or stomach cancer (PMID: 25559809, 26689913, 28466842, 29684080, 31465090, 32658311, 32832836); In silico analysis supports that this missense variant does not alter protein structure/function; This variant is associated with the following publications: (PMID: 25559809, 26689913, 28466842, 29684080, 28873162, 29354287, 31391288, 31465090, 32832836, 32658311, 11574484)

Fulgent Genetics
Classification: Uncertain significance for Lynch syndrome 4; Mismatch repair cancer syndrome 4. Last evaluated: 2024-01-10. Review status: criteria provided, single submitter. Criteria: ACMG Guidelines, 2015. Collection method: clinical testing. Allele origin: germline.

Institute for Biomarker Research, Medical Diagnostic Laboratories, L.L.C.
Classification: Uncertain significance for Hereditary cancer-predisposing syndrome. Last evaluated: 2023-08-04. Review status: criteria provided, single submitter. Criteria: ACMG Guidelines, 2015. Collection method: clinical testing. Allele origin: germline.

Human Genetics Bochum, Ruhr University Bochum
Classification: Uncertain significance for Lynch syndrome 4. Last evaluated: 2023-02-20. Review status: criteria provided, single submitter. Criteria: ACMG Guidelines, 2015. Collection method: clinical testing. Allele origin: germline. Affected: yes.
Comment: ACMG criteria used to clasify this variant:PS4_MOD, PM2_SUP, PP3

Ambry Genetics
Classification: Likely benign for Hereditary cancer-predisposing syndrome. Last evaluated: 2022-12-20. Review status: criteria provided, single submitter. Criteria: Ambry Variant Classification Scheme 2023. Collection method: clinical testing. Allele origin: germline.

Fulgent Genetics
Classification: Uncertain significance for Mismatch repair cancer syndrome 1; Lynch syndrome 4. Last evaluated: 2018-10-31. Review status: criteria provided, single submitter. Criteria: ACMG Guidelines, 2015. Collection method: clinical testing. Allele origin: unknown.

Department of Pathology and Laboratory Medicine, Sinai Health System
Classification: Uncertain significance for Carcinoma of colon. Review status: no assertion criteria provided. Collection method: clinical testing. Allele origin: unknown. Affected: yes. Observed: 1 variant allele. Study: The Canadian Open Genetics Repository (COGR). Not counted in ClinVar's aggregate classification.
Comment: The PMS2 p.Val159Met variant was not identified in the literature nor was it identified in the GeneInsight-COGR, Cosmic, MutDB, Insight Colon Cancer Gene Variant Database, Zhejiang Colon Cancer Database, Mismatch Repair Genes Variant Database, databases. The variant was identified in dbSNP (ID: rs142416537) â€šÃ„ÃºWith Uncertain significance alleleâ€šÃ„Ã¹, ClinVar (as uncertain significance by GeneDx, Invitae and Ambry Genetics), Clinvitae (4x), Insight Hereditary Tumors Database (1x), and in control databases in 17 of 245638 chromosomes at a frequency of 0.00007 (Genome Aggregation Database Feb 27, 2017). Breakdown of the observations by population include European Non-Finnish in 16 of 111290 chromosomes (freq: 0.0001), European Finnish in 1 of 22242 chromosomes (freq: 0.00005), while not observed in the African, Other, Latino, Ashkenazi Jewish, East Asian, and South Asian populations. The p.Val159 residue is conserved in mammals and computational analyses (PolyPhen-2, SIFT, AlignGVGD, BLOSUM, MutationTaster) provide inconsistent predictions regarding the impact of the variant Met to the protein; this information is not very predictive of pathogenicity. The variant occurs outside of the splicing consensus sequence and in silico or computational prediction software programs (SpliceSiteFinder, MaxEntScan, NNSPLICE, GeneSplicer, HumanSpliceFinder) do not predict a difference in splicing. In summary, based on the above information the clinical significance of this variant cannot be determined with certainty at this time. This variant is classified as a variant of uncertain significance.

Literature cited by the submitters: PubMed 25559809 (cited by 5 submitters); PubMed 26689913 (cited by 4 submitters); PubMed 28466842 (cited by 4 submitters); PubMed 32658311 (cited by 4 submitters); PubMed 30723297 (cited by Women's Health and Genetics/Laboratory Corporation of America, LabCorp); PubMed 31465090 (cited by 6 submitters); PubMed 38313678 (cited by 3 submitters); PubMed 33471991 (cited by Quest Diagnostics Nichols Institute San Juan Capistrano and Color Diagnostics, LLC DBA Color Health); PubMed 29684080 (cited by Color Diagnostics, LLC DBA Color Health and All of Us Research Program, National Institutes of Health); PubMed 32832836 (cited by Ambry Genetics).